The following is an entry in ClinVar:

NM_201253.3(CRB1):c.2746C>T (p.Leu916Phe)

Gene: CRB1 (crumbs cell polarity complex component 1; plus strand). Cytogenetic location: 1q31.3.
Variant type: single nucleotide variant.
Coding change: c.2746C>T on transcript NM_201253.3 (MANE Select); coding-DNA position 2746, C replaced by T.
Protein change: p.Leu916Phe; replaces leucine 916 with phenylalanine.
Molecular consequence: missense variant. On other transcripts: non-coding transcript variant (2), intron variant (1).
Genome position (GRCh38, 1-based): chr1:197,429,518, C>T. VCF-style: chr1-197429518-C-T. GRCh37 (hg19) VCF-style: chr1-197398648-C-T.
Other names: c.2410C>T, p.Leu804Phe (NM_001193640.2); c.2674C>T, p.Leu892Phe (NM_001257965.2); c.2129-6082C>T (NM_001257966.2); short protein forms L916F, L892F, L804F.
Identifiers: ClinVar variation 374692 (VCV000374692.57), dbSNP rs140648074, ClinGen allele CA1312198.

ClinVar aggregate classification (germline): Conflicting classifications of pathogenicity. Review status: criteria provided, conflicting classifications (1 of 4 stars). 9 submissions from 8 submitters: Uncertain significance (6); Likely benign (2). 1 of the submissions does not count toward it. Last evaluated 2026-08-11.

Conditions:
Inborn genetic diseases. Identifiers: MedGen C0950123, MeSH D030342.
Leber congenital amaurosis 8 (LCA8). Identifiers: Orphanet 65, MedGen C3151202, MONDO:0013453, OMIM 613835.
Pigmented paravenous retinochoroidal atrophy. Identifiers: Orphanet 251295, MedGen C1868310, MONDO:0008246, OMIM 172870.
Retinitis pigmentosa 12 (RP12). Also called: RP WITH OR WITHOUT PPRPE; RP WITH OR WITHOUT PRESERVED PARAARTERIOLE RETINAL PIGMENT EPITHELIUM; RETINITIS PIGMENTOSA WITH OR WITHOUT PARAARTERIOLAR PRESERVATION OF RETINAL PIGMENT EPITHELIUM. Identifiers: Orphanet 791, MedGen C1838647, MONDO:0010818, OMIM 600105.
CRB1-related disorder. Also called: CRB1-related condition; CRB1-related disorders.
Leber congenital amaurosis (LCA). Also called: Leber's amaurosis. Identifiers: Orphanet 65, MedGen C0339527, MeSH D057130, MONDO:0018998.

Allele frequency attached by ClinVar (database versions not stated): gnomAD 0.00039 and 0.00044; TOPMed 0.00053; ESP Exome Variant Server 0.00054; gnomAD exomes 0.00009 and 0.00018; ExAC 0.00022; 1000 Genomes Project 30x 0.00031.
gnomAD v4.1: 189 of 1,614,028 alleles (0.012%); highest among the groups gnomAD compares: African/African-American, 0.14%; no homozygotes.

Submissions (9):

PreventionGenetics, part of Exact Sciences
Classification: Uncertain significance for CRB1-related condition. Last evaluated: 2026-08-11. Review status: criteria provided, single submitter. Criteria: ACMG Guidelines, 2015. Collection method: clinical testing. Allele origin: germline.
Comment: The CRB1 c.2746C>T variant is predicted to result in the amino acid substitution p.Leu916Phe. To our knowledge, this variant has not been reported in the literature. This variant is reported in 0.12% of alleles in individuals of African descent in gnomAD, which may be too frequent to be a primary cause of disease. Although we suspect that this variant may be benign, at this time, the clinical significance of this variant is uncertain due to the absence of conclusive functional and genetic evidence.

Labcorp Genetics (formerly Invitae), Labcorp
Classification: Likely benign for Leber congenital amaurosis 8; Retinitis pigmentosa 12. Last evaluated: 2025-11-27. Review status: criteria provided, single submitter. Criteria: Invitae Variant Classification Sherloc (09022015). Collection method: clinical testing. Allele origin: germline.

Blueprint Genetics
Classification: Likely benign. Last evaluated: 2024-11-13. Review status: criteria provided, single submitter. Criteria: ACMG Guidelines, 2015. Collection method: clinical testing. Allele origin: germline.

Ambry Genetics
Classification: Uncertain significance for Inborn genetic diseases. Last evaluated: 2021-10-05. Review status: criteria provided, single submitter. Criteria: Ambry Variant Classification Scheme 2023. Collection method: clinical testing. Allele origin: germline.

Genome-Nilou Lab
Classification: Uncertain significance for Leber congenital amaurosis 8. Last evaluated: 2021-07-14. Review status: criteria provided, single submitter. Criteria: ACMG Guidelines, 2015. Collection method: clinical testing. Allele origin: germline. Affected: no.

Genome-Nilou Lab
Classification: Uncertain significance for Retinitis pigmentosa 12. Last evaluated: 2021-07-14. Review status: criteria provided, single submitter. Criteria: ACMG Guidelines, 2015. Collection method: clinical testing. Allele origin: germline. Affected: no.

Knight Diagnostic Laboratories, Oregon Health and Sciences University
Classification: Uncertain significance for Pigmented paravenous chorioretinal atrophy. Last evaluated: 2019-02-22. Review status: criteria provided, single submitter. Criteria: ACMG Guidelines, 2015. Collection method: clinical testing. Allele origin: germline. Observed: 1 variant allele.

CeGaT Center for Human Genetics Tuebingen
Classification: Uncertain significance. Last evaluated: 2016-07-01. Review status: criteria provided, single submitter. Criteria: CeGaT Center For Human Genetics Tuebingen Variant Classification Criteria Version 2. Collection method: clinical testing. Allele origin: germline. Affected: yes. Observed: 1 variant allele.

Natera, Inc.
Classification: Uncertain significance for Leber congenital amaurosis. Last evaluated: 2019-11-11. Review status: no assertion criteria provided. Collection method: clinical testing. Allele origin: germline. Not counted in ClinVar's aggregate classification.